The following is an entry in ClinVar:

ClinVar aggregate classification (germline): Uncertain significance (1 of 4 stars; one submission).

Conditions:
Gorlin syndrome. Also called: Nevoid Basal Cell Carcinoma Syndrome; Basal cell nevus syndrome. Identifiers: Orphanet 377, MedGen C0004779, MONDO:0007187.
Medulloblastoma (MDB). Also called: Medulloblastoma, somatic; MEDULLOBLASTOMA PREDISPOSITION SYNDROME. Identifiers: Orphanet 616, MedGen C0025149, MeSH D008527, MONDO:0007959, OMIM 155255, HP:0002885.

Allele frequency attached by ClinVar (database versions not stated): TOPMed below 0.00001; gnomAD 0.00001.
gnomAD v4.1: 6 of 1,613,946 alleles (0.00037%); highest among the groups gnomAD compares: Non-Finnish European, 0.00042%; no homozygotes.

Submission:

Labcorp Genetics (formerly Invitae), Labcorp
Classification: Uncertain significance for Gorlin syndrome; Medulloblastoma. Last evaluated: 2024-02-22. Review status: criteria provided, single submitter. Criteria: Invitae Variant Classification Sherloc (09022015). Collection method: clinical testing. Allele origin: germline.
Comment: This sequence change replaces leucine, which is neutral and non-polar, with valine, which is neutral and non-polar, at codon 198 of the SUFU protein (p.Leu198Val). This variant is present in population databases (no rsID available, gnomAD 0.0009%). This variant has not been reported in the literature in individuals affected with SUFU-related conditions. Advanced modeling of protein sequence and biophysical properties (such as structural, functional, and spatial information, amino acid conservation, physicochemical variation, residue mobility, and thermodynamic stability) performed at Invitae indicates that this missense variant is not expected to disrupt SUFU protein function with a negative predictive value of 80%. In summary, the available evidence is currently insufficient to determine the role of this variant in disease. Therefore, it has been classified as a Variant of Uncertain Significance.

NM_016169.4(SUFU):c.592C>G (p.Leu198Val)

Gene: SUFU (SUFU negative regulator of hedgehog signaling; plus strand). Cytogenetic location: 10q24.32.
Variant type: single nucleotide variant.
Coding change: c.592C>G on transcript NM_016169.4 (MANE Select); coding-DNA position 592, C replaced by G.
Protein change: p.Leu198Val; replaces leucine 198 with valine.
Molecular consequence: missense variant.
Genome position (GRCh38, 1-based): chr10:102,592,719, C>G. VCF-style: chr10-102592719-C-G. GRCh37 (hg19) VCF-style: chr10-104352476-C-G.
Other names: c.592C>G, p.Leu198Val (NM_001178133.2); short protein forms L198V.
Identifiers: ClinVar variation 2923816 (VCV002923816.3), dbSNP rs1008594155, ClinGen allele CA212265738.